The following is an entry in ClinVar:

NM_000548.5(TSC2):c.358A>G (p.Arg120Gly)

Gene: TSC2 (TSC complex subunit 2; plus strand). Cytogenetic location: 16p13.3.
Variant type: single nucleotide variant.
Coding change: c.358A>G on transcript NM_000548.5 (MANE Select); coding-DNA position 358, A replaced by G.
Protein change: p.Arg120Gly; replaces arginine 120 with glycine.
Molecular consequence: missense variant. On other transcripts: 5 prime UTR variant (14), non-coding transcript variant (5), intron variant (6).
Genome position (GRCh38, 1-based): chr16:2,054,317, A>G. VCF-style: chr16-2054317-A-G. GRCh37 (hg19) VCF-style: chr16-2104318-A-G.
Other names: c.-955A>G (NM_001406694.1, NM_001406695.1); c.-1062A>G (NM_001406696.1); c.-1074A>G (NM_001406697.1, NM_001406689.1, NM_001406690.1 and 2 more transcripts); c.-1-1879A>G (NM_001406682.1, NM_001406684.1, NM_001406685.1 and 3 more transcripts); c.-1250A>G (NM_001406698.1); c.358A>G, p.Arg120Gly (NM_021055.3, NM_001077183.3, NM_001114382.3 and 8 more transcripts); c.247A>G, p.Arg83Gly (NM_001318827.2, NM_001406670.1, NM_001406678.1); c.211A>G, p.Arg71Gly (NM_001318829.2, NM_001406675.1, NM_001406676.1 and 1 more transcripts); and 6 more; short protein forms R120G, R150G, R101G, R83G, R131G, R71G.
Identifiers: ClinVar variation 3711531 (VCV003711531.3).

ClinVar aggregate classification (germline): Uncertain significance. Review status: criteria provided, multiple submitters, no conflicts (2 of 4 stars). 2 submissions from 2 submitters: Uncertain significance (2). Last evaluated 2025-05-27.

Conditions:
Hereditary cancer-predisposing syndrome. Also called: Hereditary Cancer Syndrome; Neoplastic Syndromes, Hereditary; Tumor predisposition; Hereditary neoplastic syndrome. Identifiers: Orphanet 140162, MedGen C0027672, MeSH D009386, MONDO:0015356.
Tuberous sclerosis 2 (TSC2). Identifiers: Orphanet 805, MedGen C1860707, MONDO:0013199, OMIM 613254.

Submissions (2):

Ambry Genetics
Classification: Uncertain significance for Hereditary cancer-predisposing syndrome. Last evaluated: 2025-05-27. Review status: criteria provided, single submitter. Criteria: Ambry Variant Classification Scheme 2023. Collection method: clinical testing. Allele origin: germline.
Comment: The p.R120G variant (also known as c.358A>G), located in coding exon 4 of the TSC2 gene, results from an A to G substitution at nucleotide position 358. The arginine at codon 120 is replaced by glycine, an amino acid with dissimilar properties. This amino acid position is highly conserved in available vertebrate species. In addition, this alteration is predicted to be deleterious by in silico analysis. Based on the available evidence, the clinical significance of this variant remains unclear.

Labcorp Genetics (formerly Invitae), Labcorp
Classification: Uncertain significance for Tuberous sclerosis 2. Last evaluated: 2024-04-25. Review status: criteria provided, single submitter. Criteria: Invitae Variant Classification Sherloc (09022015). Collection method: clinical testing. Allele origin: germline.
Comment: This sequence change replaces arginine, which is basic and polar, with glycine, which is neutral and non-polar, at codon 120 of the TSC2 protein (p.Arg120Gly). This variant is not present in population databases (gnomAD no frequency). This variant has not been reported in the literature in individuals affected with TSC2-related conditions. Advanced modeling of protein sequence and biophysical properties (such as structural, functional, and spatial information, amino acid conservation, physicochemical variation, residue mobility, and thermodynamic stability) performed at Invitae indicates that this missense variant is not expected to disrupt TSC2 protein function with a negative predictive value of 95%. In summary, the available evidence is currently insufficient to determine the role of this variant in disease. Therefore, it has been classified as a Variant of Uncertain Significance.